The following is an entry in ClinVar:

NM_006206.6(PDGFRA):c.2324-1G>C

Gene: PDGFRA (platelet derived growth factor receptor alpha; plus strand). Cytogenetic location: 4q12.
Variant type: single nucleotide variant.
Coding change: c.2324-1G>C on transcript NM_006206.6 (MANE Select); the canonical splice acceptor site of the intron before coding-DNA position 2324, G replaced by C.
Molecular consequence: splice acceptor variant.
Genome position (GRCh38, 1-based): chr4:54,285,370, G>C. VCF-style: chr4-54285370-G-C. GRCh37 (hg19) VCF-style: chr4-55151537-G-C.
Other names: c.2399-1G>C (NM_001347828.2); c.2324-1G>C (NM_001347829.2); c.2363-1G>C (NM_001347830.2).
Identifiers: ClinVar variation 641692 (VCV000641692.7), dbSNP rs1577741394, ClinGen allele CA356894574.

ClinVar aggregate classification (germline): Uncertain significance (1 of 4 stars; one submission).

Conditions:
Gastrointestinal stromal tumor. Also called: Gastrointestinal stromal tumor, somatic; Gastrointestinal stroma tumor. Identifiers: Orphanet 44890, MedGen C0238198, MeSH D046152, MONDO:0011719, OMIM 606764, HP:0100723.

Submission:

Labcorp Genetics (formerly Invitae), Labcorp
Classification: Uncertain significance for Gastrointestinal stromal tumor. Last evaluated: 2024-04-10. Review status: criteria provided, single submitter. Criteria: Invitae Variant Classification Sherloc (09022015). Collection method: clinical testing. Allele origin: germline.
Comment: This sequence change affects an acceptor splice site in intron 16 of the PDGFRA gene. It is expected to disrupt RNA splicing. Variants that disrupt the donor or acceptor splice site typically lead to a loss of protein function (PMID: 16199547), however the current clinical and genetic evidence is not sufficient to establish whether loss-of-function variants in PDGFRA cause disease. This variant is not present in population databases (gnomAD no frequency). Disruption of this splice site has been observed in individual(s) with clinical features of PDGFRA-related conditions (PMID: 36113475). ClinVar contains an entry for this variant (Variation ID: 641692). Algorithms developed to predict the effect of sequence changes on RNA splicing suggest that this variant may disrupt the consensus splice site. In summary, the available evidence is currently insufficient to determine the role of this variant in disease. Therefore, it has been classified as a Variant of Uncertain Significance.

Literature cited by the submitters: PubMed 16199547; PubMed 36113475.